The following is an entry in ClinVar:

NM_015559.3(SETBP1):c.4118C>T (p.Pro1373Leu)

Gene: SETBP1 (SET binding protein 1; plus strand). Cytogenetic location: 18q12.3.
Variant type: single nucleotide variant.
Coding change: c.4118C>T on transcript NM_015559.3 (MANE Select); coding-DNA position 4118, C replaced by T.
Protein change: p.Pro1373Leu; replaces proline 1373 with leucine.
Molecular consequence: missense variant.
Genome position (GRCh38, 1-based): chr18:45,038,602, C>T. VCF-style: chr18-45038602-C-T. GRCh37 (hg19) VCF-style: chr18-42618567-C-T.
Other names: c.4118C>T, p.Pro1373Leu (NM_001379141.1, NM_001379142.1); short protein forms P1373L.
Identifiers: ClinVar variation 2148209 (VCV002148209.4), dbSNP rs2511320134, ClinGen allele CA402482561.

ClinVar aggregate classification (germline): Uncertain significance (1 of 4 stars; one submission).

Allele frequency attached by ClinVar (database versions not stated): gnomAD exomes below 0.00001.
gnomAD v4.1: 1 of 1,614,200 alleles (0.000062%); highest among the groups gnomAD compares: Non-Finnish European, 0.000085%; no homozygotes.

Submission:

Labcorp Genetics (formerly Invitae), Labcorp
Classification: Uncertain significance. Last evaluated: 2023-12-22. Review status: criteria provided, single submitter. Criteria: Invitae Variant Classification Sherloc (09022015). Collection method: clinical testing. Allele origin: germline.
Comment: This sequence change replaces proline, which is neutral and non-polar, with leucine, which is neutral and non-polar, at codon 1373 of the SETBP1 protein (p.Pro1373Leu). This variant is not present in population databases (gnomAD no frequency). This variant has not been reported in the literature in individuals affected with SETBP1-related conditions. ClinVar contains an entry for this variant (Variation ID: 2148209). Advanced modeling of protein sequence and biophysical properties (such as structural, functional, and spatial information, amino acid conservation, physicochemical variation, residue mobility, and thermodynamic stability) performed at Invitae indicates that this missense variant is not expected to disrupt SETBP1 protein function with a negative predictive value of 80%. In summary, the available evidence is currently insufficient to determine the role of this variant in disease. Therefore, it has been classified as a Variant of Uncertain Significance.